The following is an entry in ClinVar:

NM_001171.6(ABCC6):c.1553G>A (p.Arg518Gln)

Gene: ABCC6 (ATP binding cassette subfamily C member 6; minus strand). Cytogenetic location: 16p13.11.
Variant type: single nucleotide variant.
Coding change: c.1553G>A on transcript NM_001171.6 (MANE Select); coding-DNA position 1553, G replaced by A.
Protein change: p.Arg518Gln; replaces arginine 518 with glutamine.
Molecular consequence: missense variant. On other transcripts: non-coding transcript variant (1).
Genome position (GRCh38, 1-based): chr16:16,190,246, C>T on the plus strand (G>A on the coding strand, the complement: ABCC6 is on the minus strand). VCF-style: chr16-16190246-C-T. GRCh37 (hg19) VCF-style: chr16-16284103-C-T.
Other names: c.1211G>A, p.Arg404Gln (NM_001351800.1); short protein forms R518Q, R404Q.
Identifiers: ClinVar variation 265018 (VCV000265018.23), dbSNP rs72653772, ClinGen allele CA7926272.

ClinVar aggregate classification (germline): Pathogenic/Likely pathogenic. Review status: criteria provided, multiple submitters, no conflicts (2 of 4 stars). 10 submissions from 10 submitters: Pathogenic (7); Likely pathogenic (1). 2 of the submissions do not count toward it. Last evaluated 2025-12-10.

Conditions:
ABCC6-related disorder. Also called: ABCC6-related condition.
Arterial calcification, generalized, of infancy, 2. Identifiers: Orphanet 51608, MedGen C3276161, MONDO:0013768, OMIM 614473.
Autosomal recessive inherited pseudoxanthoma elasticum (PXE). Identifiers: Orphanet 758, MedGen CN032334, MONDO:0009925, OMIM 264800.
Pseudoxanthoma elasticum, forme fruste. Also called: PSEUDOXANTHOMA ELASTICUM, HETEROZYGOUS; Pseudoxanthoma Elasticum, Incomplete. Identifiers: Orphanet 758, MedGen C1867450, MONDO:0008333, OMIM 177850.

Allele frequency attached by ClinVar (database versions not stated): gnomAD exomes 0.00008 and 0.00009; ExAC 0.00009; TOPMed 0.00009; gnomAD 0.00011.

Submissions (10):

Labcorp Genetics (formerly Invitae), Labcorp
Classification: Pathogenic. Last evaluated: 2025-12-10. Review status: criteria provided, single submitter. Criteria: Invitae Variant Classification Sherloc (09022015). Collection method: clinical testing. Allele origin: germline.
Comment: This sequence change replaces arginine, which is basic and polar, with glutamine, which is neutral and polar, at codon 518 of the ABCC6 protein (p.Arg518Gln). This variant is present in population databases (rs72653772, gnomAD 0.01%). This missense change has been observed in individuals with pseudoxanthoma elasticum (PMID: 15459974, 20075945). ClinVar contains an entry for this variant (Variation ID: 265018). Invitae Evidence Modeling of protein sequence and biophysical properties (such as structural, functional, and spatial information, amino acid conservation, physicochemical variation, residue mobility, and thermodynamic stability) indicates that this missense variant is expected to disrupt ABCC6 protein function with a positive predictive value of 95%. For these reasons, this variant has been classified as Pathogenic.

Dasa
Classification: Pathogenic. Last evaluated: 2025-08-11. Review status: criteria provided, single submitter. Criteria: DASA Assertion Criteria. Collection method: clinical testing. Allele origin: germline.
Comment: NM_001171.6(ABCC6):c.1553G>A (p.Arg518Gln) is a missense variant that results in the substitution of arginine with glutamine. Segregation evidence has been reported in affected families. This variant has been observed in affected individuals with related phenotype in a genotype context consistent with recessive disease (PMID: 20075945; PMID: 15459974). This variant has been recurrently observed in individuals with related phenotype (PMID: 20075945; PMID: 15459974). Multiple computational predictions support a deleterious effect on the gene or gene product. The variant is present at low frequency in population datasets. Based on the available data, this variant is classified as pathogenic.

Laboratoire de Génétique Moléculaire, CHU Bordeaux
Classification: Pathogenic for Arterial calcification, generalized, of infancy, 2. Last evaluated: 2025-04-02. Review status: criteria provided, single submitter. Criteria: ACMG Guidelines, 2015. Collection method: clinical testing. Allele origin: germline. Affected: yes.

First Genomix Gene Laboratory, Genetic Diagnostics Department
Classification: Pathogenic for Arterial calcification, generalized, of infancy, 2; Autosomal recessive inherited pseudoxanthoma elasticum. Last evaluated: 2025-03-18. Review status: criteria provided, single submitter. Criteria: ACMG Guidelines, 2015. Collection method: clinical testing. Allele origin: germline. Inheritance: Autosomal recessive inheritance. Affected: no. Observed: 1 variant allele.

Greenwood Genetic Center Diagnostic Laboratories, Greenwood Genetic Center
Classification: Pathogenic for ABCC6-related disorder. Last evaluated: 2024-09-24. Review status: criteria provided, single submitter. Criteria: ACMG Guidelines, 2015. Collection method: clinical testing. Allele origin: germline. Affected: yes.
Comment: PS3, PM3_Strong

Blueprint Genetics
Classification: Pathogenic for ABCC6-related disorders. Last evaluated: 2024-09-10. Review status: criteria provided, single submitter. Criteria: ACMG Guidelines, 2015. Collection method: clinical testing. Allele origin: germline. Affected: yes. Observed: 5 variant alleles.

GeneDx
Classification: Pathogenic. Last evaluated: 2024-02-22. Review status: criteria provided, single submitter. Criteria: GeneDx Variant Classification Process June 2021. Collection method: clinical testing. Allele origin: germline. Affected: yes.
Comment: In silico analysis supports that this missense variant has a deleterious effect on protein structure/function; This variant is associated with the following publications: (PMID: 34906475, 27057999, 30879837, 12384774, 15086542, 25264593, 25595835, 28102862, 31589614, 34205333, 35261845, 36317459, 32873932, 38112957, 15459974, 37259549, 20075945, 23485117)

Fulgent Genetics
Classification: Likely pathogenic for Pseudoxanthoma elasticum, forme fruste; Autosomal recessive inherited pseudoxanthoma elasticum; Arterial calcification, generalized, of infancy, 2. Last evaluated: 2024-01-31. Review status: criteria provided, single submitter. Criteria: ACMG Guidelines, 2015. Collection method: clinical testing. Allele origin: germline.

PreventionGenetics, part of Exact Sciences
Classification: Pathogenic for ABCC6-related condition. Last evaluated: 2024-09-10. Review status: no assertion criteria provided. Collection method: clinical testing. Allele origin: germline. Not counted in ClinVar's aggregate classification.
Comment: The ABCC6 c.1553G>A variant is predicted to result in the amino acid substitution p.Arg518Gln. This variant has been reported as a founder variant in individuals of North African descent with autosomal recessive pseudoxanthoma elasticum (Legrand et al. 2017. PubMed ID: 28102862; Chassaing et al. 2004. PubMed ID: 15086542; Le Saux et al 2002. PubMed ID: 12384774; Ramsay et al. 2009. PubMed ID: 19339160). This variant is reported in 0.013% of alleles in individuals of South Asian descent in gnomAD. This variant is interpreted as pathogenic.

PXE International
Classification: Pathogenic for Autosomal recessive inherited pseudoxanthoma elasticum. Last evaluated: 2021-03-01. Review status: no assertion criteria provided. Collection method: research. Allele origin: germline. Inheritance: Autosomal recessive inheritance. Affected: yes. Observed: 50 variant alleles. Clinical features observed: Papule (HP:0200034), Angioid streaks (HP:0001102), Skin plaque (HP:0200035), Peau d'orange retinal changes, Vascular surgery, Prostate cancer (HP:0012125), Retinal hemorrhage (HP:0000573), Intermittent claudication (HP:0004417), Weak or absent arterial pulse, Gastrointestinal hemorrhage (HP:0002239), Angina pectoris (HP:0001681), Abnormal EKG (HP:0003115), and 3 more. Not counted in ClinVar's aggregate classification.

Literature cited by the submitters: PubMed 15459974 (cited by Labcorp Genetics (formerly Invitae), Labcorp and Dasa); PubMed 20075945 (cited by Labcorp Genetics (formerly Invitae), Labcorp and Dasa); PubMed 32873932 (cited by PXE International).